The following is an entry in ClinVar:

NM_000489.6(ATRX):c.485-2A>T

Gene: ATRX (ATRX chromatin remodeler; minus strand). Cytogenetic location: Xq21.1.
Variant type: single nucleotide variant.
Coding change: c.485-2A>T on transcript NM_000489.6 (MANE Select); the canonical splice acceptor site of the intron before coding-DNA position 485, A replaced by T.
Molecular consequence: splice acceptor variant.
Genome position (GRCh38, 1-based): chrX:77,688,929, T>A on the plus strand (A>T on the coding strand, the complement: ATRX is on the minus strand). VCF-style: chrX-77688929-T-A. GRCh37 (hg19) VCF-style: chrX-76944422-T-A.
Other names: c.371-2A>T (NM_138270.5).
Identifiers: ClinVar variation 2837860 (VCV002837860.3), dbSNP rs2520079176, ClinGen allele CA413722827.

ClinVar aggregate classification (germline): Likely pathogenic (1 of 4 stars; one submission).

Conditions:
Alpha thalassemia-X-linked intellectual disability syndrome (ATRX). Also called: ALPHA-THALASSEMIA/MENTAL RETARDATION SYNDROME, X-LINKED; ATR, NONDELETION TYPE; ATR-X syndrome; Alpha thalassemia mental retardation syndrome, nondeletion type, X-linked; XLMR hypotonic face syndrome; X-linked alpha-thalassemia-mental retardation syndrome. Identifiers: Orphanet 847, MedGen C1845055, MONDO:0010519, OMIM 301040.

Submission:

Labcorp Genetics (formerly Invitae), Labcorp
Classification: Likely pathogenic for Alpha thalassemia-X-linked intellectual disability syndrome. Last evaluated: 2023-02-16. Review status: criteria provided, single submitter. Criteria: Invitae Variant Classification Sherloc (09022015). Collection method: clinical testing. Allele origin: germline.
Comment: In summary, the currently available evidence indicates that the variant is pathogenic, but additional data are needed to prove that conclusively. Therefore, this variant has been classified as Likely Pathogenic. Algorithms developed to predict the effect of sequence changes on RNA splicing suggest that this variant may disrupt the consensus splice site. This variant has not been reported in the literature in individuals affected with ATRX-related conditions. This variant is not present in population databases (gnomAD no frequency). This sequence change affects an acceptor splice site in intron 6 of the ATRX gene. It is expected to disrupt RNA splicing. Variants that disrupt the donor or acceptor splice site typically lead to a loss of protein function (PMID: 16199547), and loss-of-function variants in ATRX are known to be pathogenic (PMID: 15591283, 18409179, 23681356).

Literature cited by the submitters: PubMed 16199547; PubMed 15591283; PubMed 18409179; PubMed 23681356.